The following is an entry in ClinVar:

NM_001110556.2(FLNA):c.7932_7934del (p.Val2646del)

Genes: FLNA (filamin A; minus strand), LOC107988032 (Xq28 proximal FLNA-EMD recombination region; plus strand). Cytogenetic location: Xq28.
Variant type: Deletion.
Coding change: c.7932_7934del on transcript NM_001110556.2 (MANE Select); coding-DNA positions 7932 to 7934, 3 bases deleted (TGT; older notation c.7932_7934delTGT).
Protein change: p.Val2646del; deletes valine 2646.
Molecular consequence: inframe deletion.
Genome position (GRCh38, 1-based): chrX:154,348,859-154,348,861, ACA deleted on the plus strand (TGT on the coding strand, the reverse complement: FLNA is on the minus strand); deleting any 3 consecutive bases within chrX:154,348,859-154,348,863 gives the same sequence; the c. name uses the placement nearest the transcript's 3' end. VCF-style (leftmost placement, unchanged base first): chrX-154348858-CACA-C. GRCh37 (hg19) VCF-style: chrX-153577226-CACA-C.
Other names: c.7908_7910delTGT (NM_001456.3); c.7908_7910del, p.Val2638del (NM_001456.4); short protein forms V2638del, V2646del.
Identifiers: ClinVar variation 405443 (VCV000405443.10), dbSNP rs1060500715, ClinGen allele CA16616464.

ClinVar aggregate classification (germline): Uncertain significance (1 of 4 stars; one submission).

Conditions:
Heterotopia, periventricular, X-linked dominant (PVNH1). Also called: PERIVENTRICULAR NODULAR HETEROTOPIA 4; HETEROTOPIA, PERIVENTRICULAR, 1; PERIVENTRICULAR NODULAR HETEROTOPIA 1; X-linked periventricular heterotopia. Identifiers: Orphanet 2149, Orphanet 82004, MedGen C1848213, MONDO:0010233, OMIM 300049.
Oto-palato-digital syndrome, type II (OPD2). Also called: Otopalatodigital Syndrome, Type II; Otopalatodigital Syndrome Type 2 (FLNA-OPD2); FACIOPALATOOSSEOUS SYNDROME; OPD II SYNDROME. Identifiers: Orphanet 669, Orphanet 90652, MedGen C1844696, MONDO:0010571, OMIM 304120.
Frontometaphyseal dysplasia (FMD1). Identifiers: Orphanet 1826, MedGen C0265293, MONDO:0015942.
Melnick-Needles syndrome (MNS). Also called: Melnick-Needles Syndrome (FLNA-MNS); MELNICK-NEEDLES OSTEODYSPLASTY; OSTEODYSPLASTY OF MELNICK AND NEEDLES. Identifiers: Orphanet 2484, MedGen C0025237, MONDO:0010650, OMIM 309350.

Submission:

Labcorp Genetics (formerly Invitae), Labcorp
Classification: Uncertain significance for Oto-palato-digital syndrome, type II; Heterotopia, periventricular, X-linked dominant; Frontometaphyseal dysplasia; Melnick-Needles syndrome. Last evaluated: 2024-01-02. Review status: criteria provided, single submitter. Criteria: Invitae Variant Classification Sherloc (09022015). Collection method: clinical testing. Allele origin: germline.
Comment: This variant, c.7908_7910del, results in the deletion of 1 amino acid(s) of the FLNA protein (p.Val2638del), but otherwise preserves the integrity of the reading frame. This variant is not present in population databases (gnomAD no frequency). This variant has not been reported in the literature in individuals affected with FLNA-related conditions. ClinVar contains an entry for this variant (Variation ID: 405443). Experimental studies and prediction algorithms are not available or were not evaluated, and the functional significance of this variant is currently unknown. In summary, the available evidence is currently insufficient to determine the role of this variant in disease. Therefore, it has been classified as a Variant of Uncertain Significance.